The following is an entry in ClinVar:

NM_000232.5(SGCB):c.92G>T (p.Ser31Ile)

Gene: SGCB (sarcoglycan beta; minus strand). Cytogenetic location: 4q12.
Variant type: single nucleotide variant.
Coding change: c.92G>T on transcript NM_000232.5 (MANE Select); coding-DNA position 92, G replaced by T.
Protein change: p.Ser31Ile; replaces serine 31 with isoleucine.
Molecular consequence: missense variant.
Genome position (GRCh38, 1-based): chr4:52,033,582, C>A on the plus strand (G>T on the coding strand, the complement: SGCB is on the minus strand). VCF-style: chr4-52033582-C-A. GRCh37 (hg19) VCF-style: chr4-52899748-C-A.
Other names: NM_000232.5(SGCB):c.92G>T.
Identifiers: ClinVar variation 92662 (VCV000092662.22), dbSNP rs115928999, ClinGen allele CA145911.

ClinVar aggregate classification (germline): Benign. Review status: reviewed by expert panel (3 of 4 stars). 9 submissions from 9 submitters: Benign (1). 8 of the submissions do not count toward it. Last evaluated 2025-01-09.

Conditions:
Inborn genetic diseases. Identifiers: MedGen C0950123, MeSH D030342.
Autosomal recessive limb-girdle muscular dystrophy. Identifiers: Orphanet 102015, MedGen C2931907, MONDO:0015152.
Autosomal recessive limb-girdle muscular dystrophy type 2E (LGMDR4). Also called: MUSCULAR DYSTROPHY, LIMB-GIRDLE, AUTOSOMAL RECESSIVE 4. Identifiers: Orphanet 119, MedGen C1858593, MONDO:0011423, OMIM 604286. Disease mechanism: Affects gamma-sarcoglycan and also disrupts the integrity of the entire sarcoglycan complex..

Allele frequency attached by ClinVar (database versions not stated): ESP Exome Variant Server 0.00200; TOPMed 0.00249; gnomAD 0.00262 and 0.00246; 1000 Genomes Project 30x 0.00265; gnomAD exomes 0.00050; ExAC 0.00063; 1000 Genomes Project 0.00260.
gnomAD v4.1: 695 of 1,613,948 alleles (0.043%); highest among the groups gnomAD compares: African/African-American, 0.83%; 2 homozygotes.

Submissions (9):

ClinGen Limb Girdle Muscular Dystrophy Variant Curation Expert Panel, ClinGen
Classification: Benign for Autosomal recessive limb-girdle muscular dystrophy. Last evaluated: 2025-01-09. Review status: reviewed by expert panel. Criteria: ClinGen LGMD VCEP ACMG Specifications SGCB V1.0.0. Collection method: curation. Allele origin: germline. Inheritance: Autosomal recessive inheritance.
Comment: The NM_000232.5: c.92G>T variant in SGCB is a missense variant predicted to cause substitution of serine by isoleucine at amino acid 31 (p.Ser31Ile). The filtering allele frequency of this variant is 0.007653 in the African/African American population in gnomAD v3.1.2 (the lower threshold of the 95% CI of 347/41414 genome chromosomes), which is higher than the LGMD VCEP threshold (>0.002) for BA1 and therefore meets this criterion (BA1). The computational predictor REVEL gives a score of 0.18, which is above the LGMD VCEP threshold predicting a benign impact on sarcoglycan β function (<0.1; BP4 not met). In summary, this variant meets the criteria to be classified as Benign for autosomal recessive limb girdle muscular dystrophy based on the ACMG/AMP criteria applied, as specified by the ClinGen LGMD VCEP (LGMD VCEP specifications version 1.0.0; 01/09/2025): BA1.

Labcorp Genetics (formerly Invitae), Labcorp
Classification: Likely benign for Autosomal recessive limb-girdle muscular dystrophy type 2E. Last evaluated: 2026-02-04. Review status: criteria provided, single submitter. Criteria: Invitae Variant Classification Sherloc (09022015). Collection method: clinical testing. Allele origin: germline. Not counted in ClinVar's aggregate classification.

Mayo Clinic Laboratories, Mayo Clinic
Classification: Likely benign. Last evaluated: 2025-03-07. Review status: criteria provided, single submitter. Criteria: ACMG Guidelines, 2015. Collection method: clinical testing. Allele origin: germline. Observed: 2 variant alleles. Not counted in ClinVar's aggregate classification.
Comment: BS1, BP4

Blueprint Genetics
Classification: Likely benign. Last evaluated: 2024-10-22. Review status: criteria provided, single submitter. Criteria: ACMG Guidelines, 2015. Collection method: clinical testing. Allele origin: germline. Not counted in ClinVar's aggregate classification.

Ambry Genetics
Classification: Uncertain significance for Inborn genetic diseases. Last evaluated: 2021-12-07. Review status: criteria provided, single submitter. Criteria: Ambry Variant Classification Scheme 2023. Collection method: clinical testing. Allele origin: germline. Not counted in ClinVar's aggregate classification.

Athena Diagnostics
Classification: Likely benign. Last evaluated: 2020-03-12. Review status: criteria provided, single submitter. Criteria: Athena Diagnostics Criteria. Collection method: clinical testing. Allele origin: unknown. Not counted in ClinVar's aggregate classification.

Eurofins Ntd Llc (ga)
Classification: Benign. Last evaluated: 2013-05-29. Review status: criteria provided, single submitter. Criteria: EGL Classification Definitions 2015. Collection method: clinical testing. Allele origin: germline. Observed: 2 variant alleles, 2 heterozygotes. Not counted in ClinVar's aggregate classification.

Breakthrough Genomics
Classification: Likely benign. Review status: criteria provided, single submitter. Criteria: ACMG Guidelines, 2015. Collection method: not provided. Allele origin: germline. Inheritance: Autosomal recessive inheritance. Affected: yes. Not counted in ClinVar's aggregate classification.

PreventionGenetics, part of Exact Sciences
Classification: Benign. Review status: criteria provided, single submitter. Criteria: ACMG Guidelines, 2015. Collection method: clinical testing. Allele origin: germline. Not counted in ClinVar's aggregate classification.